The following is an entry in ClinVar:

NM_014908.4(DOLK):c.1286A>G (p.Lys429Arg)

Gene: DOLK (dolichol kinase; minus strand). Cytogenetic location: 9q34.11.
Variant type: single nucleotide variant.
Coding change: c.1286A>G on transcript NM_014908.4 (MANE Select); coding-DNA position 1286, A replaced by G.
Protein change: p.Lys429Arg; replaces lysine 429 with arginine.
Molecular consequence: missense variant.
Genome position (GRCh38, 1-based): chr9:128,946,018, T>C on the plus strand (A>G on the coding strand, the complement: DOLK is on the minus strand). VCF-style: chr9-128946018-T-C. GRCh37 (hg19) VCF-style: chr9-131708297-T-C.
Other names: short protein forms K429R.
Identifiers: ClinVar variation 227332 (VCV000227332.25), dbSNP rs574562542, ClinGen allele CA5271592.
Genomic context (GRCh38, chr9:128,946,018, plus strand): 5'-ACACCCACAGCCAGGACACCGGCATAGGGGACGAGGGCCCTGGCTCCTCCCAGGCTACCC[T>C]TCTGTGTGCAGGGTCTGGGGATCAGCCAGATGGGAAGAGACATGCCCAGGAGCAGGTAGA-3'
Protein context (NP_055723.1, residues 419-439): IWLIPRPCTQ[Lys429Arg]GSLGGARALV

ClinVar aggregate classification (germline): Likely benign. Review status: criteria provided, multiple submitters, no conflicts (2 of 4 stars). 7 submissions from 7 submitters: Likely benign (7). Last evaluated 2026-01-09.

Conditions:
DOLK-related disorder. Also called: DOLK-related condition.
Cardiovascular phenotype. Identifiers: MedGen CN230736.
DK1-congenital disorder of glycosylation. Also called: DK1-CDG; DOLK-congenital disorder of glycosylation; Carbohydrate deficient glycoprotein syndrome type 1m; CONGENITAL DISORDER OF GLYCOSYLATION, TYPE Im; CDG Im; DK1 DEFICIENCY. Identifiers: Orphanet 91131, MedGen C1835849, MONDO:0012556, OMIM 610768.

Allele frequency attached by ClinVar (database versions not stated): gnomAD below 0.00001 and 0.00008; TOPMed 0.00005; gnomAD exomes 0.00024 and 0.00056; 1000 Genomes Project 30x 0.00062; ExAC 0.00068; 1000 Genomes Project 0.00080.

Submissions (7):

Labcorp Genetics (formerly Invitae), Labcorp
Classification: Likely benign for DK1-congenital disorder of glycosylation. Last evaluated: 2026-01-09. Review status: criteria provided, single submitter. Criteria: Invitae Variant Classification Sherloc (09022015). Collection method: clinical testing. Allele origin: germline.

Women's Health and Genetics/Laboratory Corporation of America, LabCorp
Classification: Likely benign. Last evaluated: 2025-04-11. Review status: criteria provided, single submitter. Criteria: LabCorp Variant Classification Summary - May 2015. Collection method: clinical testing. Allele origin: germline.
Comment: Variant summary: DOLK c.1286A>G (p.Lys429Arg) results in a conservative amino acid change in the encoded protein sequence. Three of four in-silico tools predict a benign effect of the variant on protein function. The variant allele was found at a frequency of 0.00056 in 251338 control chromosomes, predominantly at a frequency of 0.0045 within the South Asian subpopulation in the gnomAD database, including 1 homozygote. The observed variant frequency within South Asian control individuals in the gnomAD database is approximately 4 fold of the estimated maximal expected allele frequency for a pathogenic variant in DOLK causing DK1-Congenital Disorder Of Glycosylation phenotype (0.0011). To our knowledge, no occurrence of c.1286A>G in individuals affected with DK1-Congenital Disorder Of Glycosylation and no experimental evidence demonstrating its impact on protein function have been reported. ClinVar contains an entry for this variant (Variation ID: 227332). Based on the evidence outlined above, the variant was classified as likely benign.

PreventionGenetics, part of Exact Sciences
Classification: Likely benign for DOLK-related condition. Last evaluated: 2024-10-14. Review status: criteria provided, single submitter. Criteria: ACMG Guidelines, 2015. Collection method: clinical testing. Allele origin: germline.
Comment: This variant is classified as likely benign based on ACMG/AMP sequence variant interpretation guidelines (Richards et al. 2015 PMID: 25741868, with internal and published modifications).

Ambry Genetics
Classification: Likely benign for Cardiovascular phenotype. Last evaluated: 2021-02-18. Review status: criteria provided, single submitter. Criteria: Ambry Variant Classification Scheme 2023. Collection method: clinical testing. Allele origin: germline.

GeneDx
Classification: Likely benign. Last evaluated: 2019-09-04. Review status: criteria provided, single submitter. Criteria: GeneDx Variant Classification Process June 2021. Collection method: clinical testing. Allele origin: germline. Affected: yes.

Laboratory for Molecular Medicine, Mass General Brigham Personalized Medicine
Classification: Likely benign. Last evaluated: 2015-07-23. Review status: criteria provided, single submitter. Criteria: LMM Criteria. Collection method: clinical testing. Allele origin: germline. Observed: 1 variant allele.
Comment: p.Lys429Arg in exon 1 of DOLK: This variant is not expected to have clinical sig nificance because it has been identified in 0.5% (83/16506) of South Asian chrom osomes by the Exome Aggregation Consortium (ExAC ; dbSNP rs574562542).

Breakthrough Genomics
Classification: Likely benign. Review status: criteria provided, single submitter. Criteria: ACMG Guidelines, 2015. Collection method: not provided. Allele origin: germline. Inheritance: Autosomal recessive inheritance. Affected: yes.